The following is an entry in ClinVar:

NM_174878.3(CLRN1):c.254-1947A>G

Gene: CLRN1 (clarin 1; minus strand). Cytogenetic location: 3q25.1.
Variant type: single nucleotide variant.
Coding change: c.254-1947A>G on transcript NM_174878.3 (MANE Select); 1947 bases into the intron before coding-DNA position 254, A replaced by G.
Molecular consequence: intron variant.
Genome position (GRCh38, 1-based): chr3:150,943,708, T>C on the plus strand (A>G on the coding strand, the complement: CLRN1 is on the minus strand). VCF-style: chr3-150943708-T-C. GRCh37 (hg19) VCF-style: chr3-150661495-T-C.
Other names: c.25+112A>G (NM_052995.2); c.254-1947A>G (NM_001195794.1); c.425+112A>G (NM_001256819.2).
Identifiers: ClinVar variation 678774 (VCV000678774.3), dbSNP rs6801898, ClinGen allele CA11382732.

ClinVar aggregate classification (germline): Benign. Review status: criteria provided, multiple submitters, no conflicts (2 of 4 stars). 2 submissions from 2 submitters: Benign (2). Last evaluated 2021-06-15.

Conditions:
Usher syndrome type 3A (USH3A). Also called: USHER SYNDROME, TYPE IIIA. Identifiers: MedGen C5779850, MONDO:0010170, OMIM 276902.

Allele frequency attached by ClinVar (database versions not stated): gnomAD 0.54829 and 0.54588; 1000 Genomes Project 30x 0.50562; gnomAD exomes 0.63504; 1000 Genomes Project 0.51338; TOPMed 0.54443.
gnomAD v4.1: 982,807 of 1,570,184 alleles (63%); highest among the groups gnomAD compares: Non-Finnish European, 66%; 312,411 homozygotes.

Submissions (2):

Pars Genome Lab
Classification: Benign for Usher syndrome type 3A. Last evaluated: 2021-06-15. Review status: criteria provided, single submitter. Criteria: ACMG Guidelines, 2015. Collection method: clinical testing. Allele origin: germline. Affected: no.

GeneDx
Classification: Benign. Last evaluated: 2018-06-14. Review status: criteria provided, single submitter. Criteria: GeneDx Variant Classification (06012015). Collection method: clinical testing. Allele origin: germline. Affected: yes.
Comment: This variant is considered likely benign or benign based on one or more of the following criteria: it is a conservative change, it occurs at a poorly conserved position in the protein, it is predicted to be benign by multiple in silico algorithms, and/or has population frequency not consistent with disease.